The following is an entry in ClinVar:

NM_017777.4(MKS1):c.1287G>A (p.Leu429=)

Gene: MKS1 (MKS transition zone complex subunit 1; minus strand). Cytogenetic location: 17q22.
Variant type: single nucleotide variant.
Coding change: c.1287G>A on transcript NM_017777.4 (MANE Select); coding-DNA position 1287, G replaced by A.
Protein change: p.Leu429=; no amino-acid change (leucine 429 retained).
Molecular consequence: synonymous variant. On other transcripts: intron variant (1).
Genome position (GRCh38, 1-based): chr17:58,207,205, C>T on the plus strand (G>A on the coding strand, the complement: MKS1 is on the minus strand). VCF-style: chr17-58207205-C-T. GRCh37 (hg19) VCF-style: chr17-56284566-C-T.
Other names: c.678G>A, p.Leu226= (NM_001321268.2); c.1287G>A, p.Leu429= (NM_001321269.2); c.1273+689G>A (NM_001330397.2); c.1287G>A (NM_017777.3).
Identifiers: ClinVar variation 1120273 (VCV001120273.12), dbSNP rs555977738, ClinGen allele CA8669173.
Genomic context (GRCh38, chr17:58,207,205, plus strand): 5'-GAAAAACCTCCTCAGCTCAGCCACCGTGCCAAGCTCCACAGGTCTCCACGTGGAGACTGT[C>T]AGGGTGTGTGAGCCTGCGCAAGGGAAGAGAAGACTGGGGCCAGGTCCAGAAAGGGCATGT-3'
Protein context (NP_060247.2, residues 419-439): VLPATPGSHT[Leu429=]TVSTWRPVEL

ClinVar aggregate classification (germline): Likely benign. Review status: criteria provided, multiple submitters, no conflicts (2 of 4 stars). 3 submissions from 3 submitters: Likely benign (2). 1 of the submissions does not count toward it. Last evaluated 2025-10-09.

Conditions:
MKS1-related disorder. Also called: MKS1-related condition; MKS1-related disorders. Identifiers: MedGen CN239382.
Meckel-Gruber syndrome. Also called: DYSENCEPHALIA SPLANCHNOCYSTICA; GRUBER SYNDROME; Dysencephalia splachnocystica. Identifiers: Orphanet 564, MedGen C0265215, MONDO:0018921.
Joubert syndrome. Also called: JOUBERT-BOLTSHAUSER SYNDROME; Familial aplasia of the vermis. Identifiers: Orphanet 475, MedGen C5979921, MONDO:0018772.

Allele frequency attached by ClinVar (database versions not stated): gnomAD exomes 0.00005; TOPMed 0.00006; gnomAD 0.00011.
gnomAD v4.1: 86 of 1,614,020 alleles (0.0053%); highest among the groups gnomAD compares: Non-Finnish European, 0.007%; no homozygotes.

Submissions (3):

Labcorp Genetics (formerly Invitae), Labcorp
Classification: Likely benign for Joubert syndrome; Meckel-Gruber syndrome. Last evaluated: 2025-10-09. Review status: criteria provided, single submitter. Criteria: Invitae Variant Classification Sherloc (09022015). Collection method: clinical testing. Allele origin: germline.

Blueprint Genetics
Classification: Likely benign. Last evaluated: 2023-12-20. Review status: criteria provided, single submitter. Criteria: ACMG Guidelines, 2015. Collection method: clinical testing. Allele origin: germline.

PreventionGenetics, part of Exact Sciences
Classification: Likely benign for MKS1-related condition. Last evaluated: 2020-07-01. Review status: no assertion criteria provided. Collection method: clinical testing. Allele origin: germline. Not counted in ClinVar's aggregate classification.
Comment: This variant is classified as likely benign based on ACMG/AMP sequence variant interpretation guidelines (Richards et al. 2015 PMID: 25741868, with internal and published modifications).